The following is an entry in ClinVar:

NM_000051.4(ATM):c.154G>A (p.Gly52Arg)

Gene: ATM (ATM serine/threonine kinase; plus strand). Cytogenetic location: 11q22.3.
Variant type: single nucleotide variant.
Coding change: c.154G>A on transcript NM_000051.4 (MANE Select); coding-DNA position 154, G replaced by A.
Protein change: p.Gly52Arg; replaces glycine 52 with arginine.
Molecular consequence: missense variant.
Genome position (GRCh38, 1-based): chr11:108,227,857, G>A. VCF-style: chr11-108227857-G-A. GRCh37 (hg19) VCF-style: chr11-108098584-G-A.
Other names: c.154G>A, p.Gly52Arg (NM_001351834.2, NM_001351835.2, NM_001351836.2); short protein forms G52R.
Identifiers: ClinVar variation 819490 (VCV000819490.13), dbSNP rs730881362, ClinGen allele CA382520289.

ClinVar aggregate classification (germline): Conflicting classifications of pathogenicity. Review status: criteria provided, conflicting classifications (1 of 4 stars). 2 submissions from 2 submitters: Uncertain significance (1); Likely benign (1). Last evaluated 2025-12-30.

Conditions:
Hereditary cancer-predisposing syndrome. Also called: Hereditary Cancer Syndrome; Neoplastic Syndromes, Hereditary; Hereditary neoplastic syndrome; Tumor predisposition. Identifiers: Orphanet 140162, MedGen C0027672, MeSH D009386, MONDO:0015356.
Ataxia-telangiectasia syndrome (AT). Also called: Cerebello-oculocutaneous telangiectasia; Immunodeficiency with ataxia telangiectasia; Ataxia-telangiectasia, complementation group E; Ataxia-telangiectasia, complementation group D; AT, COMPLEMENTATION GROUP C; ATAXIA-TELANGIECTASIA, COMPLEMENTATION GROUP A. Identifiers: Orphanet 100, MedGen C0004135, MONDO:0008840, OMIM 208900.

Submissions (2):

Labcorp Genetics (formerly Invitae), Labcorp
Classification: Uncertain significance for Ataxia-telangiectasia syndrome. Last evaluated: 2025-12-30. Review status: criteria provided, single submitter. Criteria: Invitae Variant Classification Sherloc (09022015). Collection method: clinical testing. Allele origin: germline.
Comment: This sequence change replaces glycine, which is neutral and non-polar, with arginine, which is basic and polar, at codon 52 of the ATM protein (p.Gly52Arg). This variant is not present in population databases (gnomAD no frequency). This variant has not been reported in the literature in individuals affected with ATM-related conditions. ClinVar contains an entry for this variant (Variation ID: 819490). Invitae Evidence Modeling of protein sequence and biophysical properties (such as structural, functional, and spatial information, amino acid conservation, physicochemical variation, residue mobility, and thermodynamic stability) indicates that this missense variant is not expected to disrupt ATM protein function with a negative predictive value of 95%. In summary, the available evidence is currently insufficient to determine the role of this variant in disease. Therefore, it has been classified as a Variant of Uncertain Significance.

Ambry Genetics
Classification: Likely benign for Hereditary cancer-predisposing syndrome. Last evaluated: 2025-11-05. Review status: criteria provided, single submitter. Criteria: Ambry Variant Classification Scheme 2023. Collection method: clinical testing. Allele origin: germline.

Literature cited by the submitters: PubMed 40580951 (cited by Ambry Genetics).